The following continues an entry in ClinVar:

NM_000371.4(TTR):c.424G>A (p.Val142Ile)

Gene: TTR. ClinVar aggregate classification (germline): Pathogenic/Likely pathogenic. Pathogenic (40); Likely pathogenic (3).

Submissions 30 to 44 of 54:

GeneDx
Classification: Pathogenic. Last evaluated: 2020-12-29. Review status: criteria provided, single submitter. Criteria: GeneDx Variant Classification Process June 2021. Collection method: clinical testing. Allele origin: germline. Affected: yes.
Comment: Originated in a small number of founder carriers in southern West Africa (Jacobson et al., 2016); Reported as heterozygous or homozygous in individuals with familial amyloid cardiomyopathy and senile systemic amyloidosis (SSA); these disorders usually have an age-dependent penetrance with onset later in life (age > 50-60 years), characterized by amyloid deposits in the heart leading to congestive heart failure and conduction system disturbances (Jacobson et al., 1997a; Jacobson et al., 1997b); Reported in individuals of varying ethnic backgrounds in the Online Registry for Mutations in Hereditary Amyloidosis (Rowczenio et al., 2014); Cultured skeletal muscle fibers from patients harboring the V142I variant had vacuolar degeneration, congophilic inclusions, clusters of immunocolocalizing beta-amyloid and TTR accumulations (Askanas et al., 2003); Renders the TTR complex unstable, leading to unfolding and lower tetramer stability (Jiang et al., 2001); This variant is associated with the following publications: (PMID: 18276611, 24474780, 22083004, 24633258, 27618855, 25997029, 26537620, 29520877, 31371117, 31821430, 20301373, 15820680, 17503405, 11752443, 12874414, 9017939, 25551524, 22995991, 23713495, 23716704, 22745357, 20435197, 24184229, 22184092, 24818650, 22877808, 20981092, 26894299, 26428663, 24070600, 2349941, 27652282, 28090011, 26243339, 27364045, 25819286, 26002815, 26123279, 27386769, 26017327, 28335735, 27838833, 28635949, 28944235, 29052438, 29073801, 28870641, 29016222, 30093168, 28475415, 29764897, 30683924, 31659433, 31740141, 31554435, 32674397, 32150461, 31980526, 31589614, 32269295, 26656838, 32399692, 32376792)

Laboratory for Molecular Medicine, Mass General Brigham Personalized Medicine
Classification: Pathogenic for ATTRV30M amyloidosis. Last evaluated: 2020-03-30. Review status: criteria provided, single submitter. Criteria: LMM Criteria. Collection method: clinical testing. Allele origin: germline. Inheritance: Autosomal dominant inheritance. Observed: 27 variant alleles.
Comment: The p.Val142Ile variant in TTR (alternate nomenclature p.Val122Ile) has been reported in >70 predominantly African American individuals with confirmed cardiac amyloidosis that presented with clinical features of cardiomyopathy or heart failure that typically presented with a later onset (after age 60-70). It is believed to be the most common variant identified, particularly amongst elderly African Americans (Jacobson 1997, Conners 2009, Lee 2011, Ruberg 2012, Arruda-Olsen 2013, Damy 2016). Individuals homozygous for the variant have been reported to have earlier onset of symptoms (Reddi 2014, Liu 2014). This variant has been shown to increase the risk for congestive heart failure in older individuals (>70 years), with two small studies reporting an age adjusted odds ratio of 1.5-2 [95% CI 1.2-2.7] (Quarta 2015, Damrauer 2019). Additionally, this variant has also been reported as a pathogenic variant by several clinical laboratories in ClinVar (Variation ID 13426). It is present in 1.6% (405/24968) of African chromosomes by gnomAD, including 3 homozygotes. Although this frequency is high in the general population, it is consistent with the age-dependent and possibly reduced penetrance of this disease. This variant has been shown to render the TTR protein complex unstable, causing misfolding and deposits in the myocardium (Jiang 2001, Askansas 2003). In summary, this variant is pathogenic for autosomal dominant late-onset transthyretin amyloidosis, though penetrance may not be complete.

Clinical Genetics and Genomics, Karolinska University Hospital
Classification: Pathogenic. Last evaluated: 2019-11-08. Review status: criteria provided, single submitter. Criteria: ACMG Guidelines, 2015. Collection method: clinical testing. Allele origin: germline. Affected: yes. Observed: 1 variant allele.

Mendelics
Classification: Pathogenic for Amyloidosis, hereditary systemic 1. Last evaluated: 2019-05-28. Review status: criteria provided, single submitter. Criteria: Mendelics Assertion Criteria 2017. Collection method: clinical testing. Allele origin: unknown.

Center for Advanced Laboratory Medicine, UC San Diego Health, University of California San Diego
Classification: Pathogenic for Hereditary transthyretin amyloidosis. Last evaluated: 2019-05-20. Review status: criteria provided, single submitter. Criteria: ACMG Guidelines, 2015. Collection method: clinical testing. Allele origin: germline. Affected: yes. Observed: 1 variant allele.

Rady Children's Institute for Genomic Medicine, Rady Children's Hospital San Diego
Classification: Pathogenic for Transthyretin related familial amyloid cardiomyopathy. Last evaluated: 2019-03-12. Review status: criteria provided, single submitter. Criteria: ACMG Guidelines, 2015. Collection method: clinical testing. Allele origin: germline. Affected: yes. Observed: 1 variant allele.
Comment: This variant has been previously reported as a heterozygous change in patients with Transthyretin-related Amyloid Cardiomyopathy. It is present in the heterozygous state in the gnomAD population database at a frequency of 0.15% (417/277140), including three reports of hymozygous individuals. The p.Val142Ile is found in approximately 3.5% of African Americans. In silico analyses support a deleterious effect of the c.424G>A, p.Val142Ile variant on protein function. This variant is clearly defined as a late-onset cardiac amyloidosis causative allele (PMID: 24070600, 24184229). It is a common cause of amyloidosis in individuals of African American ancestry and typically causes symptoms after the sixth decade of life (PMID: 20435197, 22877808). It has also been observed in individuals from other populations and causes the same phenotype (PMID: 25846356, 22745357). ClinVar contains an entry for this variant (Variation ID: 13426). Experimental studies have shown that this missense change weakens the stability of the TTR tetramer protein complexes (PMID: 15820680, 17503405, 18276611). Based on the available evidence, the c.424G>A, p.Val142Ile variant is classified as Pathogenic.

Center for Personalized Medicine, Children's Hospital Los Angeles
Classification: Pathogenic. Last evaluated: 2018-11-19. Review status: criteria provided, single submitter. Criteria: ACMG Guidelines, 2015. Collection method: clinical testing. Allele origin: germline. Affected: yes.

Eurofins Ntd Llc (ga)
Classification: Pathogenic. Last evaluated: 2013-05-10. Review status: criteria provided, single submitter. Criteria: EGL Classification Definitions. Collection method: clinical testing. Allele origin: germline. Observed: 6 variant alleles, 5 heterozygotes, 1 homozygote.

Women's Health and Genetics/Laboratory Corporation of America, LabCorp
Classification: Pathogenic for Isolated Cardiac Amyloidosis. Last evaluated: 2011-08-18. Review status: criteria provided, single submitter. Criteria: LabCorp Variant Classification Summary - May 2015. Collection method: curation, clinical testing. Allele origin: germline. Inheritance: autosomal dominant. Affected: yes. Observed: 10 variant alleles.
ClinVar note: Converted during submission from pathogenic to Pathogenic.

Clinical Genetics Service, Universitary Hospital 12 de Octubre
Classification: Pathogenic for Amyloidosis, hereditary systemic 1. Review status: criteria provided, single submitter. Criteria: ACMG Guidelines, 2015. Collection method: clinical testing. Allele origin: germline. Affected: yes.

Institute for Medical Genetics and Human Genetics, Charité - Universitätsmedizin Berlin
Classification: Likely pathogenic. Review status: criteria provided, single submitter. Criteria: ACMG Guidelines, 2015. Collection method: not provided. Allele origin: germline. Affected: yes.

Juno Genomics, Hangzhou Juno Genomics, Inc
Classification: Likely pathogenic for Amyloidosis, hereditary systemic 1. Review status: criteria provided, single submitter. Criteria: ACMG Guidelines, 2015. Collection method: clinical testing. Allele origin: germline.
Comment: Well-established in vitro or in vivo functional studies supportive of a damaging effect on the gene or gene product.;The prevalence of the variant in affected individuals is significantly increased compared to the prevalence in controls.;Patient's phenotype or family history is highly specific for a disease with a single genetic etiology.

Molecular Genetics Laboratory, London Health Sciences Centre
Classification: Pathogenic for Charcot-Marie-Tooth disease. Review status: criteria provided, single submitter. Criteria: ACMG Guidelines, 2015. Collection method: clinical testing. Allele origin: germline. Affected: yes.

Rady Children's Institute for Genomic Medicine, Rady Children's Hospital San Diego
Classification: Pathogenic for TTR-related disorders. Review status: criteria provided, single submitter. Criteria: ACMG Guidelines, 2015. Collection method: clinical testing. Allele origin: germline. Affected: yes.
Comment: This variant is also known as p.Val122Ile by legacy nomenclature. The c.424G>A (p.Val142Ile) variant is present in the heterozygous state in the gnomAD population database at a frequency of 0.15% (435/282792) and in the homozygous state in three individuals. It is found in approximately 3.5% of African Americans (PMID: 26123279). This variant has been identified as a causative allele for late-onset cardiac amyloidosis; specifically, it is a common cause of amyloidosis in individuals of African American ancestry with affected individuals typically presenting after the sixth decade of life (PMID: 20435197, 22877808, 24070600, 24184229). This variant has also been observed in individuals from other ancestries with a similar amyloidosis phenotype (PMID: 25846356, 22745357). Experimental studies have shown that this variant weakens the stability of TTR tetramer protein complexes in plasma and cerebrospinal fluid (PMID: 15820680, 17503405, 18276611). Based on the available evidence, c.424G>A (p.Val142Ile) is classified as Pathogenic.

Molecular Genetics Laboratory, BC Children's and BC Women's Hospitals
Classification: Pathogenic for Amyloidosis, hereditary systemic 1. Last evaluated: 2021-10-18. Review status: no assertion criteria provided. Criteria: ACMG Guidelines, 2015. Collection method: clinical testing. Allele origin: germline. Affected: yes. Not counted in ClinVar's aggregate classification.